The following is an entry in ClinVar:

ClinVar aggregate classification (germline): Conflicting classifications of pathogenicity. Review status: criteria provided, conflicting classifications (1 of 4 stars). 6 submissions from 6 submitters: Uncertain significance (5); Likely benign (1). Last evaluated 2025-01-16.

Conditions:
Megacystis-microcolon-intestinal hypoperistalsis syndrome 1. Identifiers: MedGen C5542316, MONDO:0100354, OMIM 249210.
Aortic aneurysm, familial thoracic 7 (AAT7). Also called: AORTIC DISSECTION, FAMILIAL, WITH OR WITHOUT AORTIC ANEURYSM. Identifiers: MedGen C3151077, MONDO:0013418, OMIM 613780.
Familial thoracic aortic aneurysm and aortic dissection (TAAD). Also called: Thoracic aortic aneurysms and dissections. Identifiers: Orphanet 91387, MedGen C4707243, MONDO:0019625.

Allele frequency attached by ClinVar (database versions not stated): ESP Exome Variant Server 0.00008; gnomAD exomes 0.00004 and 0.00003; ExAC 0.00002; TOPMed 0.00003.
gnomAD v4.1: 60 of 1,614,028 alleles (0.0037%); highest among the groups gnomAD compares: Non-Finnish European, 0.0044%; no homozygotes.

Submissions (6):

Labcorp Genetics (formerly Invitae), Labcorp
Classification: Uncertain significance for Aortic aneurysm, familial thoracic 7. Last evaluated: 2025-01-16. Review status: criteria provided, single submitter. Criteria: Invitae Variant Classification Sherloc (09022015). Collection method: clinical testing. Allele origin: germline.
Comment: This sequence change replaces arginine, which is basic and polar, with histidine, which is basic and polar, at codon 1816 of the MYLK protein (p.Arg1816His). This variant is present in population databases (rs140636141, gnomAD 0.008%). This variant has not been reported in the literature in individuals affected with MYLK-related conditions. ClinVar contains an entry for this variant (Variation ID: 222741). Invitae Evidence Modeling of protein sequence and biophysical properties (such as structural, functional, and spatial information, amino acid conservation, physicochemical variation, residue mobility, and thermodynamic stability) indicates that this missense variant is not expected to disrupt MYLK protein function with a negative predictive value of 80%. In summary, the available evidence is currently insufficient to determine the role of this variant in disease. Therefore, it has been classified as a Variant of Uncertain Significance.

3billion
Classification: Likely benign for Megacystis-microcolon-intestinal hypoperistalsis syndrome 1. Last evaluated: 2024-09-20. Review status: criteria provided, single submitter. Criteria: ACMG Guidelines, 2015. Collection method: clinical testing. Allele origin: germline. Affected: no.
Comment: The homozygous variant was found in patients diagnosed with another variant in a different gene, with no symptoms related to the gene containing the homozygous variant.

Women's Health and Genetics/Laboratory Corporation of America, LabCorp
Classification: Uncertain significance. Last evaluated: 2022-05-07. Review status: criteria provided, single submitter. Criteria: LabCorp Variant Classification Summary - May 2015. Collection method: clinical testing. Allele origin: germline.

Fulgent Genetics
Classification: Uncertain significance for Megacystis-microcolon-intestinal hypoperistalsis syndrome 1; Aortic aneurysm, familial thoracic 7. Last evaluated: 2021-08-10. Review status: criteria provided, single submitter. Criteria: ACMG Guidelines, 2015. Collection method: clinical testing. Allele origin: unknown.

Ambry Genetics
Classification: Uncertain significance for Familial thoracic aortic aneurysm and aortic dissection. Last evaluated: 2021-07-01. Review status: criteria provided, single submitter. Criteria: Ambry Variant Classification Scheme 2023. Collection method: clinical testing. Allele origin: germline.
Comment: The p.R1816H variant (also known as c.5447G>A), located in coding exon 30 of the MYLK gene, results from a G to A substitution at nucleotide position 5447. The arginine at codon 1816 is replaced by histidine, an amino acid with highly similar properties. This amino acid position is conserved. In addition, this alteration is predicted to be tolerated by in silico analysis. Since supporting evidence is limited at this time, the clinical significance of this alteration remains unclear.

CHEO Genetics Diagnostic Laboratory, Children's Hospital of Eastern Ontario
Classification: Uncertain significance for Familial thoracic aortic aneurysm and aortic dissection. Last evaluated: 2020-06-18. Review status: criteria provided, single submitter. Criteria: ACMG Guidelines, 2015. Collection method: clinical testing. Allele origin: germline.

NM_053025.4(MYLK):c.5447G>A (p.Arg1816His)

Genes: MYLK (myosin light chain kinase; minus strand), MYLK-AS1 (MYLK antisense RNA 1; plus strand). Cytogenetic location: 3q21.1.
Variant type: single nucleotide variant.
Coding change: c.5447G>A on transcript NM_053025.4 (MANE Select); coding-DNA position 5447, G replaced by A.
Protein change: p.Arg1816His; replaces arginine 1816 with histidine.
Molecular consequence: missense variant.
Genome position (GRCh38, 1-based): chr3:123,618,692, C>T on the plus strand (G>A on the coding strand, the complement: MYLK is on the minus strand). VCF-style: chr3-123618692-C-T. GRCh37 (hg19) VCF-style: chr3-123337539-C-T.
Other names: c.4919G>A, p.Arg1640His (NM_001321309.2); c.5240G>A, p.Arg1747His (NM_053026.4); c.5294G>A, p.Arg1765His (NM_053027.4); c.5087G>A, p.Arg1696His (NM_053028.4); c.164G>A, p.Arg55His (NM_053031.4); c.167G>A, p.Arg56His (NM_053032.4); short protein forms R1816H, R1640H, R1765H, R1696H, R1747H, R55H, R56H.
Identifiers: ClinVar variation 222741 (VCV000222741.10), dbSNP rs140636141, ClinGen allele CA072986.